The following is an entry in ClinVar:

NM_000091.5(COL4A3):c.1315G>A (p.Gly439Ser)

Genes: COL4A3 (collagen type IV alpha 3 chain; plus strand), MFF-DT (MFF divergent transcript; minus strand). Cytogenetic location: 2q36.3.
Variant type: single nucleotide variant.
Coding change: c.1315G>A on transcript NM_000091.5 (MANE Select); coding-DNA position 1315, G replaced by A.
Protein change: p.Gly439Ser; replaces glycine 439 with serine.
Molecular consequence: missense variant.
Genome position (GRCh38, 1-based): chr2:227,263,944, G>A. VCF-style: chr2-227263944-G-A. GRCh37 (hg19) VCF-style: chr2-228128660-G-A.
Other names: IVS21DS, G-A, -1; short protein forms G439S.
Identifiers: ClinVar variation 551759 (VCV000551759.17), dbSNP rs1553755124, ClinGen allele CA350869638.

ClinVar aggregate classification (germline): Pathogenic/Likely pathogenic. Review status: criteria provided, multiple submitters, no conflicts (2 of 4 stars). 7 submissions from 7 submitters: Pathogenic (4); Likely pathogenic (1). 2 of the submissions do not count toward it. Last evaluated 2026-09-23.

Conditions:
Hematuria. Identifiers: MedGen C0018965, HP:0000790.
Alport syndrome. Also called: Hemorrhagic familial nephritis; Hemorrhagic hereditary nephritis; Congenital hereditary hematuria. Identifiers: Orphanet 63, MedGen C1567741, MONDO:0018965.
Autosomal recessive Alport syndrome (ATS2). Also called: ALPORT SYNDROME 2, AUTOSOMAL RECESSIVE; Alport syndrome type 2; COL4A4 Alport Syndrome and Thin Basement Membrane Nephropathy; COL4A3-Related Nephropathy. Identifiers: Orphanet 63, Orphanet 88919, MedGen C4746745, MONDO:0008762, OMIM 203780.
Autosomal dominant Alport syndrome (ATS3A). Also called: ALPORT SYNDROME 3A, AUTOSOMAL DOMINANT; Alport syndrome dominant type; Renal failure and sensorineural hearing loss. Identifiers: Orphanet 63, Orphanet 88918, MedGen C5882663, MONDO:0007086, OMIM 104200.
Hematuria, benign familial, 2 (BFH2). Identifiers: MedGen C5830421, MONDO:0958186, OMIM 620320.
Alport syndrome 3b, autosomal recessive. Identifiers: MedGen C5882699, MONDO:0957811, OMIM 620536.

Allele frequency attached by ClinVar (database versions not stated): gnomAD exomes below 0.00001.
gnomAD v4.1: 5 of 1,614,002 alleles (0.00031%); highest among the groups gnomAD compares: Non-Finnish European, 0.00042%; no homozygotes.

Submissions (7):

Genetics Laboratory, Great Ormond Street Hospital NHS Foundation Trust, North Thames Genomic Laboratory Hub
Classification: Pathogenic for Haematuria. Last evaluated: 2026-09-23. Review status: criteria provided, single submitter. Criteria: ACGS Best Practice Guidelines for Variant Classification in Rare Disease 2024 v1.2. Collection method: clinical testing. Allele origin: germline. Affected: yes.
Comment: PS4_moderate, PM2_moderate, PP3_supporting, PS3_supporting, PM1_strong, PP1_strong, PP4_supporting

Natera, Inc.
Classification: Pathogenic for Alport syndrome. Last evaluated: 2025-09-06. Review status: criteria provided, single submitter. Criteria: Natera Variant Classification Schema (03/2026). Collection method: clinical testing. Allele origin: germline.
Comment: The c.1315G>A variant in COL4A3 is a missense variant predicted to cause substitution of glycine to serine at amino acid 439. This variant is rare in the general population with a frequency below the threshold expected for the associated phenotype(s). This variant has been observed to segregate in affected family members (PMID: 11044206). Functional studies show that this variant may disrupt protein function (PMID: 11044206). This variant is located in a functionally critical region of the protein. Computational prediction algorithms indicate this variant is likely to affect gene or protein function. Given the available evidence, this variant is classified as Pathogenic.

Fulgent Genetics
Classification: Likely pathogenic for Autosomal dominant Alport syndrome; Hematuria, benign familial, 2; Alport syndrome 3b, autosomal recessive. Last evaluated: 2024-04-20. Review status: criteria provided, single submitter. Criteria: ACMG Guidelines, 2015. Collection method: clinical testing. Allele origin: germline.

Baylor Genetics
Classification: Pathogenic for Autosomal dominant Alport syndrome. Last evaluated: 2024-01-11. Review status: criteria provided, single submitter. Criteria: ACMG Guidelines, 2015. Collection method: clinical testing. Allele origin: unknown.

Labcorp Genetics (formerly Invitae), Labcorp
Classification: Pathogenic. Last evaluated: 2023-12-14. Review status: criteria provided, single submitter. Criteria: Invitae Variant Classification Sherloc (09022015). Collection method: clinical testing. Allele origin: germline.
Comment: This sequence change replaces glycine, which is neutral and non-polar, with serine, which is neutral and polar, at codon 439 of the COL4A3 protein (p.Gly439Ser). RNA analysis indicates that this missense change induces altered splicing and likely results in a shortened protein product. This variant is not present in population databases (gnomAD no frequency). This missense change has been observed in individual(s) with autosomal dominant Alport syndrome (PMID: 11044206). It has also been observed to segregate with disease in related individuals. This variant is also known as Gly493Ser. ClinVar contains an entry for this variant (Variation ID: 551759). An algorithm developed to predict the effect of missense changes on protein structure and function (PolyPhen-2) suggests that this variant is likely to be disruptive. Variants that disrupt the consensus splice site are a relatively common cause of aberrant splicing (PMID: 17576681, 9536098). Studies have shown that this missense change results in skipping of skipping of exon 21, but is expected to preserve the integrity of the reading-frame (PMID: 11044206). For these reasons, this variant has been classified as Pathogenic.

Counsyl
Classification: Likely pathogenic for Autosomal recessive Alport syndrome. Last evaluated: 2017-05-15. Review status: no assertion criteria provided. Collection method: clinical testing. Allele origin: unknown. Not counted in ClinVar's aggregate classification.

OMIM
Classification: Pathogenic for ALPORT SYNDROME 3, AUTOSOMAL DOMINANT. Last evaluated: 2000-11-01. Review status: no assertion criteria provided. Collection method: literature only. Allele origin: germline. Not counted in ClinVar's aggregate classification.

Literature cited by the submitters: PubMed 11044206 (cited by 4 submitters); PubMed 17576681 (cited by Labcorp Genetics (formerly Invitae), Labcorp); PubMed 9536098 (cited by Labcorp Genetics (formerly Invitae), Labcorp); PubMed 25525159 (cited by Counsyl); PubMed 9269635 (cited by OMIM).